The following is an entry in ClinVar:

ClinVar aggregate classification (germline): Benign/Likely benign. Review status: criteria provided, multiple submitters, no conflicts (2 of 4 stars). 2 submissions from 2 submitters: Benign (1); Likely benign (1). Last evaluated 2025-02-10.

Conditions:
Colorectal cancer, susceptibility to, 12 (CRCS12). Also called: COLORECTAL CANCER, SUSCEPTIBILITY TO, ON CHROMOSOME 12q24. Identifiers: Orphanet 220460, MedGen C3554460, MONDO:0014038, OMIM 615083.

Submissions (2):

Myriad Genetics, Inc.
Classification: Benign for Colorectal cancer, susceptibility to, 12. Last evaluated: 2025-02-10. Review status: criteria provided, single submitter. Criteria: Myriad Autosomal Dominant, Autosomal Recessive and X-Linked Classification Criteria (2023). Collection method: clinical testing. Allele origin: unknown.
Comment: This variant is considered benign. This variant is a silent/synonymous amino acid change and it is not expected to impact splicing.

Labcorp Genetics (formerly Invitae), Labcorp
Classification: Likely benign. Last evaluated: 2024-10-17. Review status: criteria provided, single submitter. Criteria: Invitae Variant Classification Sherloc (09022015). Collection method: clinical testing. Allele origin: germline.

NM_006231.4(POLE):c.1134C>T (p.Val378=)

Gene: POLE (DNA polymerase epsilon, catalytic subunit; minus strand). Cytogenetic location: 12q24.33.
Variant type: single nucleotide variant.
Coding change: c.1134C>T on transcript NM_006231.4 (MANE Select); coding-DNA position 1134, C replaced by T.
Protein change: p.Val378=; no amino-acid change (valine 378 retained).
Molecular consequence: synonymous variant.
Genome position (GRCh38, 1-based): chr12:132,675,490, G>A on the plus strand (C>T on the coding strand, the complement: POLE is on the minus strand). VCF-style: chr12-132675490-G-A. GRCh37 (hg19) VCF-style: chr12-133252076-G-A.
Identifiers: ClinVar variation 1155862 (VCV001155862.10), dbSNP rs878854839, ClinGen allele CA482849719.